The following is an entry in ClinVar:

NM_001987.5(ETV6):c.466A>G (p.Asn156Asp)

Gene: ETV6 (ETS variant transcription factor 6; plus strand). Cytogenetic location: 12p13.2.
Variant type: single nucleotide variant.
Coding change: c.466A>G on transcript NM_001987.5 (MANE Select); coding-DNA position 466, A replaced by G.
Protein change: p.Asn156Asp; replaces asparagine 156 with aspartic acid.
Molecular consequence: missense variant.
Genome position (GRCh38, 1-based): chr12:11,869,426, A>G. VCF-style: chr12-11869426-A-G. GRCh37 (hg19) VCF-style: chr12-12022360-A-G.
Other names: c.202A>G, p.Asn68Asp (NM_001413915.1); c.466A>G, p.Asn156Asp (NM_001413916.1, NM_001413917.1); c.463A>G, p.Asn155Asp (NM_001413913.1); c.439A>G, p.Asn147Asp (NM_001413914.1); short protein forms N147D, N68D, N156D, N155D.
Identifiers: ClinVar variation 4826560 (VCV004826560.1).

ClinVar aggregate classification (germline): Uncertain significance (1 of 4 stars; one submission).

Conditions:
Inborn genetic diseases. Identifiers: MedGen C0950123, MeSH D030342.

Submission:

Ambry Genetics
Classification: Uncertain significance for Inborn genetic diseases. Last evaluated: 2026-03-13. Review status: criteria provided, single submitter. Criteria: Ambry Variant Classification Scheme 2023. Collection method: clinical testing. Allele origin: germline.
Comment: The p.N156D variant (also known as c.466A>G), located in coding exon 5 of the ETV6 gene, results from an A to G substitution at nucleotide position 466. The asparagine at codon 156 is replaced by aspartic acid, an amino acid with highly similar properties. This amino acid position is conserved. In addition, this alteration is predicted to be tolerated by in silico analysis. Based on the available evidence, the clinical significance of this variant remains unclear.